The following is an entry in ClinVar:

NM_000256.3(MYBPC3):c.3276C>T (p.Val1092=)

Gene: MYBPC3 (myosin binding protein C3; minus strand). Cytogenetic location: 11p11.2.
Variant type: single nucleotide variant.
Coding change: c.3276C>T on transcript NM_000256.3 (MANE Select); coding-DNA position 3276, C replaced by T.
Protein change: p.Val1092=; no amino-acid change (valine 1092 retained).
Molecular consequence: synonymous variant.
Genome position (GRCh38, 1-based): chr11:47,333,248, G>A on the plus strand (C>T on the coding strand, the complement: MYBPC3 is on the minus strand). VCF-style: chr11-47333248-G-A. GRCh37 (hg19) VCF-style: chr11-47354799-G-A.
Other names: p.V1092V:GTC>GTT; p.Val1092=.
Identifiers: ClinVar variation 178063 (VCV000178063.27), dbSNP rs376344765, ClinGen allele CA013744.

ClinVar aggregate classification (germline): Benign/Likely benign. Review status: criteria provided, multiple submitters, no conflicts (2 of 4 stars). 11 submissions from 11 submitters: Benign (1); Likely benign (9). 1 of the submissions does not count toward it. Last evaluated 2026-02-03.

Conditions:
Cardiovascular phenotype. Identifiers: MedGen CN230736.
MYBPC3-related disorder. Also called: MYBPC3-related disorders; MYBPC3-related condition; MYBPC3-related disease.
Cardiomyopathy (CMYO). Also called: Cardiomyopathies. Identifiers: Orphanet 167848, MedGen C0878544, MONDO:0004994, HP:0001638. Inheritance: Various modes of inheritance.
Hypertrophic cardiomyopathy. Also called: HYPERTROPHIC MYOCARDIOPATHY. Identifiers: Orphanet 217569, MedGen C0007194, MeSH D002312, MONDO:0005045, HP:0001639.

Allele frequency attached by ClinVar (database versions not stated): ESP Exome Variant Server 0.00008; ExAC 0.00013; TOPMed 0.00018; gnomAD 0.00019; gnomAD exomes 0.00002.
gnomAD v4.1: 56 of 1,586,518 alleles (0.0035%); highest among the groups gnomAD compares: African/African-American, 0.048%; no homozygotes.

Submissions (11):

Labcorp Genetics (formerly Invitae), Labcorp
Classification: Likely benign for Hypertrophic cardiomyopathy. Last evaluated: 2026-02-03. Review status: criteria provided, single submitter. Criteria: Invitae Variant Classification Sherloc (09022015). Collection method: clinical testing. Allele origin: germline.

Women's Health and Genetics/Laboratory Corporation of America, LabCorp
Classification: Likely benign. Last evaluated: 2025-05-18. Review status: criteria provided, single submitter. Criteria: LabCorp Variant Classification Summary - May 2015. Collection method: clinical testing. Allele origin: germline.

Mayo Clinic Laboratories, Mayo Clinic
Classification: Likely benign. Last evaluated: 2025-04-09. Review status: criteria provided, single submitter. Criteria: ACMG Guidelines, 2015. Collection method: clinical testing. Allele origin: germline. Observed: 2 variant alleles.
Comment: BS1, BP4, BP7

Molecular Diagnostic Laboratory for Inherited Cardiovascular Disease, Montreal Heart Institute
Classification: Likely benign. Last evaluated: 2025-04-09. Review status: criteria provided, single submitter. Criteria: ACMG Guidelines, 2015. Collection method: clinical testing. Allele origin: germline. Affected: no.

Blueprint Genetics
Classification: Likely benign. Last evaluated: 2024-09-18. Review status: criteria provided, single submitter. Criteria: ACMG Guidelines, 2015. Collection method: clinical testing. Allele origin: germline.

All of Us Research Program, National Institutes of Health
Classification: Likely benign for Hypertrophic cardiomyopathy. Last evaluated: 2024-02-05. Review status: criteria provided, single submitter. Criteria: ACMG Guidelines, 2015. Collection method: clinical testing. Allele origin: germline. Inheritance: Autosomal dominant inheritance. Observed: 10 variant alleles, 10 heterozygotes.
Comment: This study involves interpretation of variants in research participants for the purpose of population health screening. Participant phenotype was not available at the time of variant classification. Additional details can be found in publication PMID: 35346344, PMCID: PMC8962531

Color Diagnostics, LLC DBA Color Health
Classification: Likely benign for Cardiomyopathy. Last evaluated: 2018-12-13. Review status: criteria provided, single submitter. Criteria: ACMG Guidelines, 2015. Collection method: clinical testing. Allele origin: germline.

Ambry Genetics
Classification: Likely benign for Cardiovascular phenotype. Last evaluated: 2017-07-20. Review status: criteria provided, single submitter. Criteria: Ambry Variant Classification Scheme 2023. Collection method: clinical testing. Allele origin: germline.

GeneDx
Classification: Benign. Last evaluated: 2014-08-13. Review status: criteria provided, single submitter. Criteria: GeneDx Variant Classification (06012015). Collection method: clinical testing. Allele origin: germline. Affected: yes.
Comment: This variant is considered likely benign or benign based on one or more of the following criteria: it is a conservative change, it occurs at a poorly conserved position in the protein, it is predicted to be benign by multiple in silico algorithms, and/or has population frequency not consistent with disease.

Laboratory for Molecular Medicine, Mass General Brigham Personalized Medicine
Classification: Likely benign. Last evaluated: 2013-12-05. Review status: criteria provided, single submitter. Criteria: LMM Criteria. Collection method: clinical testing. Allele origin: germline. Observed: 1 variant allele.
Comment: Val1092Val in exon 30 of MYBPC3: This variant is not expected to have clinical s ignificance because it does not alter an amino acid residue and is not located w ithin the splice consensus sequence. It has been identified in 1/3942 African Am erican chromosomes by the NHLBI Exome Sequencing Project. Val1092Val in exon 30 of MYBPC3 (rs376344765; allele frequency = 1 /3942) **

PreventionGenetics, part of Exact Sciences
Classification: Likely benign for MYBPC3-related condition. Last evaluated: 2019-08-09. Review status: no assertion criteria provided. Collection method: clinical testing. Allele origin: germline. Not counted in ClinVar's aggregate classification.
Comment: This variant is classified as likely benign based on ACMG/AMP sequence variant interpretation guidelines (Richards et al. 2015 PMID: 25741868, with internal and published modifications).